The following is an entry in ClinVar:

NM_005902.4(SMAD3):c.992T>A (p.Val331Asp)

Gene: SMAD3 (SMAD family member 3; plus strand). Cytogenetic location: 15q22.33.
Variant type: single nucleotide variant.
Coding change: c.992T>A on transcript NM_005902.4 (MANE Select); coding-DNA position 992, T replaced by A.
Protein change: p.Val331Asp; replaces valine 331 with aspartic acid.
Molecular consequence: missense variant.
Genome position (GRCh38, 1-based): chr15:67,184,847, T>A. VCF-style: chr15-67184847-T-A. GRCh37 (hg19) VCF-style: chr15-67477185-T-A.
Other names: c.677T>A, p.Val226Asp (NM_001145102.2); c.860T>A, p.Val287Asp (NM_001145103.2); c.407T>A, p.Val136Asp (NM_001145104.2); short protein forms V331D, V226D, V287D, V136D.
Identifiers: ClinVar variation 520187 (VCV000520187.5), dbSNP rs1555414028, ClinGen allele CA392957301.
Genomic context (GRCh38, chr15:67,184,847, plus strand): 5'-GCGCTATTTTTGTCCAGTCTCCCAACTGTAACCAGCGCTATGGCTGGCACCCGGCCACCG[T>A]CTGCAAGATCCCACCAGGTAAACGAGCCGCACAGGCACCCCTGCCTTGAGGTCCCTCTCC-3'
Protein context (NP_005893.1, residues 321-341): NQRYGWHPAT[Val331Asp]CKIPPGCNLK

ClinVar aggregate classification (germline): Uncertain significance (1 of 4 stars; one submission).

Conditions:
Familial thoracic aortic aneurysm and aortic dissection (TAAD). Also called: Thoracic aortic aneurysms and dissections. Identifiers: Orphanet 91387, MedGen C4707243, MONDO:0019625.

Submission:

Ambry Genetics
Classification: Uncertain significance for Familial thoracic aortic aneurysm and aortic dissection. Last evaluated: 2017-10-13. Review status: criteria provided, single submitter. Criteria: Ambry Variant Classification Scheme 2023. Collection method: clinical testing. Allele origin: germline.
Comment: The p.V331D variant (also known as c.992T>A), located in coding exon 7 of the SMAD3 gene, results from a T to A substitution at nucleotide position 992. The valine at codon 331 is replaced by aspartic acid, an amino acid with highly dissimilar properties. This amino acid position is highly conserved in available vertebrate species. In addition, this alteration is predicted to be deleterious by in silico analysis. Since supporting evidence is limited at this time, the clinical significance of this alteration remains unclear.